The following is an entry in ClinVar:

ClinVar aggregate classification (germline): Pathogenic (1 of 4 stars; one submission).

Conditions:
Hematuria, benign familial, 1 (BFH1). Also called: THIN MEMBRANE NEPHROPATHY. Identifiers: MedGen CN376803, MONDO:0007709, OMIM 141200.

Submission:

Juno Genomics, Hangzhou Juno Genomics, Inc
Classification: Pathogenic for Hematuria, benign familial, 1. Review status: criteria provided, single submitter. Criteria: ACMG Guidelines, 2015. Collection method: clinical testing. Allele origin: germline. Affected: yes.
Comment: Absent from controls (or at extremely low frequency if recessive) in Genome Aggregation Database, Exome Sequencing Project, 1000 Genomes Project, or Exome Aggregation Consortium.;Null variant in a gene where loss of function (LOF) is a known mechanism of disease.;Patient's phenotype or family history is highly specific for a disease with a single genetic etiology.

NM_000092.5(COL4A4):c.4433_4434dup (p.Thr1479fs)

Gene: COL4A4 (collagen type IV alpha 4 chain; minus strand). Cytogenetic location: 2q36.3.
Variant type: Duplication.
Coding change: c.4433_4434dup on transcript NM_000092.5 (MANE Select); coding-DNA positions 4433 to 4434, 2 bases duplicated (CC; older notation c.4433_4434dupCC).
Protein change: p.Thr1479fs; shifts the reading frame from threonine 1479.
Molecular consequence: frameshift variant.
Genome position (GRCh38, 1-based): chr2:227,010,401-227,010,402, GG duplicated on the plus strand (CC on the coding strand, the reverse complement: COL4A4 is on the minus strand); duplicating any 2 consecutive bases within chr2:227,010,401-227,010,403 gives the same sequence; the c. name uses the placement nearest the transcript's 3' end. VCF-style (leftmost placement, unchanged base first): chr2-227010400-T-TGG. GRCh37 (hg19) VCF-style: chr2-227875116-T-TGG.
Other names: short protein forms T1479fs.
Identifiers: ClinVar variation 3899355 (VCV003899355.2).
Genomic context (GRCh38, chr2:227,010,400, plus strand): 5'-GCCCTTCCAGGTATAACAGACTATACCCAGTCCAGAGCCTGGGCATGCCCAGGGGGCAGG[T>TGG]GGGCTCCTGGTCCGTCTGACTGTGGAGAACCAGGAGGAAGCCACCGAGGTATCCAGGGCC-3'